The following is an entry in ClinVar:

ClinVar aggregate classification (germline): Uncertain significance. Review status: criteria provided, single submitter (1 of 4 stars). 2 submissions from 2 submitters: Uncertain significance (1). 1 of the submissions does not count toward it. Last evaluated 2021-12-21.

Conditions:
ABCC6-related disorder. Also called: ABCC6-related condition.

gnomAD v4.1: 44 of 1,613,448 alleles (0.0027%); highest among the groups gnomAD compares: East Asian, 0.096%; no homozygotes.

Submissions (2):

Blueprint Genetics
Classification: Uncertain significance. Last evaluated: 2021-12-21. Review status: criteria provided, single submitter. Criteria: ACMG Guidelines, 2015. Collection method: clinical testing. Allele origin: germline.

PreventionGenetics, part of Exact Sciences
Classification: Uncertain significance for ABCC6-related condition. Last evaluated: 2024-09-27. Review status: no assertion criteria provided. Collection method: clinical testing. Allele origin: germline. Not counted in ClinVar's aggregate classification.
Comment: The ABCC6 c.718G>A variant is predicted to result in the amino acid substitution p.Gly240Arg. To our knowledge, this variant has not been reported in the literature. This variant is reported in 0.038% of alleles in individuals of East Asian descent in gnomAD. At this time, the clinical significance of this variant is uncertain due to the absence of conclusive functional and genetic evidence.

NM_001171.6(ABCC6):c.718G>A (p.Gly240Arg)

Gene: ABCC6 (ATP binding cassette subfamily C member 6; minus strand). Cytogenetic location: 16p13.11.
Variant type: single nucleotide variant.
Coding change: c.718G>A on transcript NM_001171.6 (MANE Select); coding-DNA position 718, G replaced by A.
Protein change: p.Gly240Arg; replaces glycine 240 with arginine.
Molecular consequence: missense variant. On other transcripts: non-coding transcript variant (1).
Genome position (GRCh38, 1-based): chr16:16,208,804, C>T on the plus strand (G>A on the coding strand, the complement: ABCC6 is on the minus strand). VCF-style: chr16-16208804-C-T. GRCh37 (hg19) VCF-style: chr16-16302661-C-T.
Other names: c.376G>A, p.Gly126Arg (NM_001351800.1); short protein forms G126R, G240R.
Identifiers: ClinVar variation 3350856 (VCV003350856.2).
Genomic context (GRCh38, chr16:16,208,804, plus strand): 5'-GGTTCCTCATCCACTCCTTTTCAAGCCGGGAAACAAGTTCTTCTGAGGAGTTTTCTCTCC[C>T]AAGCGACCAGAGGTCTTTTGGTCTCAGTGGCCTCCTGTATCCCCTCCAGACCAGGCTGCA-3'
Protein context (NP_001162.5, residues 230-250): PLRPKDLWSL[Gly240Arg]RENSSEELVS